The following is an entry in ClinVar:

NM_000660.7(TGFB1):c.368A>G (p.Lys123Arg)

Gene: TGFB1 (transforming growth factor beta 1; minus strand). Cytogenetic location: 19q13.2.
Variant type: single nucleotide variant.
Coding change: c.368A>G on transcript NM_000660.7 (MANE Select); coding-DNA position 368, A replaced by G.
Protein change: p.Lys123Arg; replaces lysine 123 with arginine.
Molecular consequence: missense variant.
Genome position (GRCh38, 1-based): chr19:41,348,443, T>C on the plus strand (A>G on the coding strand, the complement: TGFB1 is on the minus strand). VCF-style: chr19-41348443-T-C. GRCh37 (hg19) VCF-style: chr19-41854348-T-C.
Other names: short protein forms K123R.
Identifiers: ClinVar variation 3666393 (VCV003666393.2).

ClinVar aggregate classification (germline): Uncertain significance (1 of 4 stars; one submission).

Submission:

Labcorp Genetics (formerly Invitae), Labcorp
Classification: Uncertain significance. Last evaluated: 2025-01-28. Review status: criteria provided, single submitter. Criteria: Invitae Variant Classification Sherloc (09022015). Collection method: clinical testing. Allele origin: germline.
Comment: This sequence change replaces lysine, which is basic and polar, with arginine, which is basic and polar, at codon 123 of the TGFB1 protein (p.Lys123Arg). This variant is present in population databases (no rsID available, gnomAD 0.0009%). This variant has not been reported in the literature in individuals affected with TGFB1-related conditions. Invitae Evidence Modeling of protein sequence and biophysical properties (such as structural, functional, and spatial information, amino acid conservation, physicochemical variation, residue mobility, and thermodynamic stability) indicates that this missense variant is not expected to disrupt TGFB1 protein function with a negative predictive value of 80%. In summary, the available evidence is currently insufficient to determine the role of this variant in disease. Therefore, it has been classified as a Variant of Uncertain Significance.